The following is an entry in ClinVar:

ClinVar aggregate classification (germline): Uncertain significance (1 of 4 stars; one submission).

Conditions:
Hereditary cancer-predisposing syndrome. Also called: Hereditary Cancer Syndrome; Hereditary neoplastic syndrome; Neoplastic Syndromes, Hereditary; Tumor predisposition. Identifiers: Orphanet 140162, MedGen C0027672, MeSH D009386, MONDO:0015356.

Submission:

Ambry Genetics
Classification: Uncertain significance for Hereditary cancer-predisposing syndrome. Last evaluated: 2025-11-24. Review status: criteria provided, single submitter. Criteria: Ambry Variant Classification Scheme 2023. Collection method: clinical testing. Allele origin: germline.
Comment: The p.T456S variant (also known as c.1367C>G), located in coding exon 10 of the PTCH1 gene, results from a C to G substitution at nucleotide position 1367. The threonine at codon 456 is replaced by serine, an amino acid with similar properties. This amino acid position is conserved. In addition, the in silico prediction for this alteration is inconclusive. Since supporting evidence is limited at this time, the clinical significance of this alteration remains unclear.

NM_000264.5(PTCH1):c.1367C>G (p.Thr456Ser)

Gene: PTCH1 (patched 1; minus strand). Cytogenetic location: 9q22.32.
Variant type: single nucleotide variant.
Coding change: c.1367C>G on transcript NM_000264.5 (MANE Select); coding-DNA position 1367, C replaced by G.
Protein change: p.Thr456Ser; replaces threonine 456 with serine.
Molecular consequence: missense variant. On other transcripts: non-coding transcript variant (1), intron variant (1).
Genome position (GRCh38, 1-based): chr9:95,477,683, G>C on the plus strand (C>G on the coding strand, the complement: PTCH1 is on the minus strand). VCF-style: chr9-95477683-G-C. GRCh37 (hg19) VCF-style: chr9-98239965-G-C.
Other names: c.1169C>G, p.Thr390Ser (NM_001083602.3); c.1364C>G, p.Thr455Ser (NM_001083603.3); c.914C>G, p.Thr305Ser (NM_001083604.3, NM_001083605.3, NM_001083606.3 and 1 more transcripts); c.1347+372C>G (NM_001354918.2); short protein forms T390S, T456S, T305S, T455S.
Identifiers: ClinVar variation 1770949 (VCV001770949.3), dbSNP rs2538205997, ClinGen allele CA374118645.